The following is an entry in ClinVar:

NM_144991.3(TSPEAR):c.1825C>T (p.Arg609Cys)

Gene: TSPEAR (thrombospondin type laminin G domain and EAR repeats; minus strand). Cytogenetic location: 21q22.3.
Variant type: single nucleotide variant.
Coding change: c.1825C>T on transcript NM_144991.3 (MANE Select); coding-DNA position 1825, C replaced by T.
Protein change: p.Arg609Cys; replaces arginine 609 with cysteine.
Molecular consequence: missense variant.
Genome position (GRCh38, 1-based): chr21:44,504,811, G>A on the plus strand (C>T on the coding strand, the complement: TSPEAR is on the minus strand). VCF-style: chr21-44504811-G-A. GRCh37 (hg19) VCF-style: chr21-45924694-G-A.
Other names: c.1621C>T, p.Arg541Cys (NM_001272037.2); short protein forms R609C, R541C.
Identifiers: ClinVar variation 2158126 (VCV002158126.4), dbSNP rs377118806, ClinGen allele CA10056318.

ClinVar aggregate classification (germline): Uncertain significance (1 of 4 stars; one submission).

Allele frequency attached by ClinVar (database versions not stated): gnomAD exomes 0.00005; ExAC 0.00006; ESP Exome Variant Server 0.00008; gnomAD 0.00015; TOPMed 0.00016; 1000 Genomes Project 0.00040; 1000 Genomes Project 30x 0.00047.
gnomAD v4.1: 91 of 1,613,692 alleles (0.0056%); highest among the groups gnomAD compares: African/African-American, 0.067%; no homozygotes.

Submission:

Labcorp Genetics (formerly Invitae), Labcorp
Classification: Uncertain significance. Last evaluated: 2025-06-25. Review status: criteria provided, single submitter. Criteria: Invitae Variant Classification Sherloc (09022015). Collection method: clinical testing. Allele origin: germline.
Comment: This sequence change replaces arginine, which is basic and polar, with cysteine, which is neutral and slightly polar, at codon 609 of the TSPEAR protein (p.Arg609Cys). This variant is present in population databases (rs377118806, gnomAD 0.04%). This variant has not been reported in the literature in individuals affected with TSPEAR-related conditions. ClinVar contains an entry for this variant (Variation ID: 2158126). Invitae Evidence Modeling of protein sequence and biophysical properties (such as structural, functional, and spatial information, amino acid conservation, physicochemical variation, residue mobility, and thermodynamic stability) indicates that this missense variant is not expected to disrupt TSPEAR protein function with a negative predictive value of 80%. In summary, the available evidence is currently insufficient to determine the role of this variant in disease. Therefore, it has been classified as a Variant of Uncertain Significance.